The following is an entry in ClinVar:

NM_212482.4(FN1):c.25C>A (p.Leu9Met)

Genes: FN1 (fibronectin 1; minus strand), FN1-DT (FN1 divergent transcript; plus strand). Cytogenetic location: 2q35.
Variant type: single nucleotide variant.
Coding change: c.25C>A on transcript NM_212482.4 (MANE Select); coding-DNA position 25, C replaced by A.
Protein change: p.Leu9Met; replaces leucine 9 with methionine.
Molecular consequence: missense variant. On other transcripts: non-coding transcript variant (1).
Genome position (GRCh38, 1-based): chr2:215,435,778, G>T on the plus strand (C>A on the coding strand, the complement: FN1 is on the minus strand). VCF-style: chr2-215435778-G-T. GRCh37 (hg19) VCF-style: chr2-216300501-G-T.
Other names: c.25C>A, p.Leu9Met (NM_001365520.2, NM_001365521.2, NM_001365522.2 and 14 more transcripts); short protein forms L9M.
Identifiers: ClinVar variation 2878738 (VCV002878738.3), dbSNP rs2470622210, ClinGen allele CA350481155.

ClinVar aggregate classification (germline): Uncertain significance (1 of 4 stars; one submission).

Submission:

Labcorp Genetics (formerly Invitae), Labcorp
Classification: Uncertain significance. Last evaluated: 2025-06-23. Review status: criteria provided, single submitter. Criteria: Invitae Variant Classification Sherloc (09022015). Collection method: clinical testing. Allele origin: germline.
Comment: This sequence change replaces leucine, which is neutral and non-polar, with methionine, which is neutral and non-polar, at codon 9 of the FN1 protein (p.Leu9Met). This variant is not present in population databases (gnomAD no frequency). This variant has not been reported in the literature in individuals affected with FN1-related conditions. ClinVar contains an entry for this variant (Variation ID: 2878738). An algorithm developed to predict the effect of missense changes on protein structure and function (PolyPhen-2) suggests that this variant is likely to be disruptive. In summary, the available evidence is currently insufficient to determine the role of this variant in disease. Therefore, it has been classified as a Variant of Uncertain Significance.